The following is an entry in ClinVar:

NM_018474.6(KIZ):c.1156G>T (p.Asp386Tyr)

Gene: KIZ (kizuna centrosomal protein; plus strand). Cytogenetic location: 20p11.23.
Variant type: single nucleotide variant.
Coding change: c.1156G>T on transcript NM_018474.6 (MANE Select); coding-DNA position 1156, G replaced by T.
Protein change: p.Asp386Tyr; replaces aspartic acid 386 with tyrosine.
Molecular consequence: missense variant.
Genome position (GRCh38, 1-based): chr20:21,162,963, G>T. VCF-style: chr20-21162963-G-T. GRCh37 (hg19) VCF-style: chr20-21143604-G-T.
Other names: c.847G>T, p.Asp283Tyr (NM_001163022.3, NM_001352435.2); c.757G>T, p.Asp253Tyr (NM_001163023.3); c.1009G>T, p.Asp337Tyr (NM_001276389.2); c.1156G>T, p.Asp386Tyr (NM_001352434.2); c.814G>T, p.Asp272Tyr (NM_001352436.2); short protein forms D386Y, D253Y, D272Y, D283Y, D337Y.
Identifiers: ClinVar variation 2003884 (VCV002003884.4), dbSNP rs946588482, ClinGen allele CA312979763.

ClinVar aggregate classification (germline): Uncertain significance (1 of 4 stars; one submission).

Allele frequency attached by ClinVar (database versions not stated): gnomAD exomes 0.00001.
gnomAD v4.1: 16 of 1,613,898 alleles (0.00099%); highest among the groups gnomAD compares: Non-Finnish European, 0.0014%; no homozygotes.

Submission:

Labcorp Genetics (formerly Invitae), Labcorp
Classification: Uncertain significance. Last evaluated: 2023-08-04. Review status: criteria provided, single submitter. Criteria: Invitae Variant Classification Sherloc (09022015). Collection method: clinical testing. Allele origin: germline.
Comment: In summary, the available evidence is currently insufficient to determine the role of this variant in disease. Therefore, it has been classified as a Variant of Uncertain Significance. Experimental studies and prediction algorithms are not available or were not evaluated, and the functional significance of this variant is currently unknown. ClinVar contains an entry for this variant (Variation ID: 2003884). This variant has not been reported in the literature in individuals affected with KIZ-related conditions. This variant is present in population databases (no rsID available, gnomAD 0.002%). This sequence change replaces aspartic acid, which is acidic and polar, with tyrosine, which is neutral and polar, at codon 386 of the KIZ protein (p.Asp386Tyr).